The following is an entry in ClinVar:

NM_012203.2(GRHPR):c.638T>C (p.Val213Ala)

Gene: GRHPR (glyoxylate and hydroxypyruvate reductase; plus strand). Cytogenetic location: 9p13.2.
Variant type: single nucleotide variant.
Coding change: c.638T>C on transcript NM_012203.2 (MANE Select); coding-DNA position 638, T replaced by C.
Protein change: p.Val213Ala; replaces valine 213 with alanine.
Molecular consequence: missense variant.
Genome position (GRCh38, 1-based): chr9:37,430,550, T>C. VCF-style: chr9-37430550-T-C. GRCh37 (hg19) VCF-style: chr9-37430547-T-C.
Other names: short protein forms V213A.
Identifiers: ClinVar variation 2664421 (VCV002664421.1), dbSNP rs2489245142, ClinGen allele CA373443786.
Genomic context (GRCh38, chr9:37,430,550, plus strand): 5'-TGGAGTCCTGCCCTCCCTCAGTGTCTACCCCTGAGCTGGCTGCCCAATCTGATTTCATCG[T>C]CGTGGCCTGCTCCTTAACACCTGCAACCGAGGGACTCTGCAACAAGGACTTCTTCCAGAA-3'
Protein context (NP_036335.1, residues 203-223): PELAAQSDFI[Val213Ala]VACSLTPATE

ClinVar aggregate classification (germline): Uncertain significance (1 of 4 stars; one submission).

Conditions:
Primary hyperoxaluria, type II (HP2). Also called: OXALOSIS II; Primary hyperoxaluria type 2; D-GLYCERATE DEHYDROGENASE DEFICIENCY; GLYCERIC ACIDURIA; GLYOXYLATE REDUCTASE/HYDROXYPYRUVATE REDUCTASE DEFICIENCY. Identifiers: Orphanet 416, Orphanet 93599, MedGen C0268165, MONDO:0009824, OMIM 260000. Disease mechanism: loss of function.

Submission:

Clinical Biochemistry Laboratory, Health Services Laboratory
Classification: Uncertain significance for Primary hyperoxaluria, type II. Last evaluated: 2023-10-27. Review status: criteria provided, single submitter. Criteria: ACMG Guidelines, 2015. Collection method: curation. Allele origin: germline.
Comment: ACMG:PM1 PM2

Literature cited by the submitters: PubMed 35678848.